The following is an entry in ClinVar:

NM_000032.5(ALAS2):c.1559C>T (p.Pro520Leu)

Gene: ALAS2 (5'-aminolevulinate synthase 2; minus strand). Cytogenetic location: Xp11.21.
Variant type: single nucleotide variant.
Coding change: c.1559C>T on transcript NM_000032.5 (MANE Select); coding-DNA position 1559, C replaced by T.
Protein change: p.Pro520Leu; replaces proline 520 with leucine.
Molecular consequence: missense variant.
Genome position (GRCh38, 1-based): chrX:55,013,527, G>A on the plus strand (C>T on the coding strand, the complement: ALAS2 is on the minus strand). VCF-style: chrX-55013527-G-A. GRCh37 (hg19) VCF-style: chrX-55039960-G-A.
Other names: p.P520L:CCC>CTC; c.1559C>T, p.Pro520Leu (LRG_1163t1); c.1448C>T, p.Pro483Leu (NM_001037967.4); c.1520C>T, p.Pro507Leu (NM_001037968.4); short protein forms P520L, P507L, P483L.
Identifiers: ClinVar variation 214088 (VCV000214088.42), dbSNP rs201062903, ClinGen allele CA320759.

ClinVar aggregate classification (germline): Benign/Likely benign. Review status: criteria provided, multiple submitters, no conflicts (2 of 4 stars). 11 submissions from 11 submitters: Benign (3); Likely benign (6). 2 of the submissions do not count toward it. Last evaluated 2026-08-01.

Conditions:
ALAS2-related disorder. Also called: ALAS2-related condition.
X-linked sideroblastic anemia 1. Also called: ANEMIA, SIDEROBLASTIC, 1, PYRIDOXINE REFRACTORY; Erythroid 5-aminolevulinate synthase deficiency; X chromosome-linked sideroblastic anemia; X-linked pyridoxine-refractory sideroblastic anemia; Anemia, hereditary sideroblastic 1, pyridoxine refractory; Anemia, sideroblastic, 1. Identifiers: Orphanet 75563, MedGen C4551511, MONDO:0020721, OMIM 300751. Disease mechanism: loss of function.
X-linked erythropoietic protoporphyria. Also called: X-Linked Protoporphyria; Erythropoietic Protoporphyria, X-Linked Dominant; ERYTHROHEPATIC PROTOPORPHYRIA, X-LINKED. Identifiers: Orphanet 443197, MedGen C2677889, MONDO:0010420, OMIM 300752.

Allele frequency attached by ClinVar (database versions not stated): 1000 Genomes Project 0.00026; 1000 Genomes Project 30x 0.00042; ESP Exome Variant Server 0.00076; TOPMed 0.00108; gnomAD 0.00123 and 0.00124; gnomAD exomes 0.00135 and 0.00175; ExAC 0.00137.
gnomAD v4.1: 2,036 of 1,209,388 alleles (0.17%); highest among the groups gnomAD compares: Middle Eastern, 0.32%; 4 homozygotes.

Submissions (11):

CeGaT Center for Human Genetics Tuebingen
Classification: Benign. Last evaluated: 2026-08-01. Review status: criteria provided, single submitter. Criteria: CeGaT Center For Human Genetics Tuebingen Variant Classification Criteria Version 2. Collection method: clinical testing. Allele origin: germline. Affected: yes. Observed: 4 variant alleles.
Comment: ALAS2: BS1, BS2

Labcorp Genetics (formerly Invitae), Labcorp
Classification: Likely benign. Last evaluated: 2026-01-24. Review status: criteria provided, single submitter. Criteria: Invitae Variant Classification Sherloc (09022015). Collection method: clinical testing. Allele origin: germline.

PreventionGenetics, part of Exact Sciences
Classification: Likely benign for ALAS2-related condition. Last evaluated: 2025-09-26. Review status: criteria provided, single submitter. Criteria: ACMG Guidelines, 2015. Collection method: clinical testing. Allele origin: germline.
Comment: This variant is classified as likely benign based on ACMG/AMP sequence variant interpretation guidelines (Richards et al. 2015 PMID: 25741868, with internal and published modifications).

Blueprint Genetics
Classification: Likely benign. Last evaluated: 2024-10-02. Review status: criteria provided, single submitter. Criteria: ACMG Guidelines, 2015. Collection method: clinical testing. Allele origin: germline.

Department of Pathology and Laboratory Medicine, Sinai Health System
Classification: Benign for X-linked erythropoietic protoporphyria. Last evaluated: 2020-08-06. Review status: criteria provided, single submitter. Criteria: ACMG Guidelines, 2015. Collection method: research. Allele origin: germline.

Mendelics
Classification: Benign for X-linked sideroblastic anemia 1. Last evaluated: 2019-05-28. Review status: criteria provided, single submitter. Criteria: Mendelics Assertion Criteria 2017. Collection method: clinical testing. Allele origin: unknown.

Genetic Services Laboratory, University of Chicago
Classification: Likely benign. Last evaluated: 2019-02-15. Review status: criteria provided, single submitter. Criteria: ACMG Guidelines, 2015. Collection method: clinical testing. Allele origin: germline. Affected: no.

GeneDx
Classification: Likely benign. Last evaluated: 2017-06-16. Review status: criteria provided, single submitter. Criteria: GeneDx Variant Classification (06012015). Collection method: clinical testing. Allele origin: germline. Affected: yes.
Comment: This variant is considered likely benign or benign based on one or more of the following criteria: it is a conservative change, it occurs at a poorly conserved position in the protein, it is predicted to be benign by multiple in silico algorithms, and/or has population frequency not consistent with disease.

Illumina Laboratory Services, Illumina
Classification: Likely benign for X-linked sideroblastic anemia 1. Last evaluated: 2017-04-27. Review status: criteria provided, single submitter. Criteria: ICSL Variant Classification Criteria 13 December 2019. Collection method: clinical testing. Allele origin: germline.
Comment: This variant was observed as part of a predisposition screen in an ostensibly healthy population. A literature search was performed for the gene, cDNA change, and amino acid change (where applicable). Publications were found based on this search. The evidence from the literature, in combination with allele frequency data from public databases where available, was sufficient to determine this variant is unlikely to cause disease. Therefore, this variant is classified as likely benign.

BloodGenetics
Classification: Likely pathogenic for X-linked sideroblastic anemia 1. Last evaluated: 2024-12-24. Review status: flagged submission. Criteria: ACMG Guidelines, 2015. Collection method: research. Allele origin: unknown. Inheritance: X-linked inheritance. Affected: yes. Observed: 1 variant allele. Not counted in ClinVar's aggregate classification.
ClinVar note: Reason: Outlier claim with insufficient supporting evidence

Genomic Research Center, Shahid Beheshti University of Medical Sciences
Classification: Uncertain significance. Last evaluated: 2019-04-27. Review status: flagged submission. Criteria: ACMG Guidelines, 2015. Collection method: clinical testing. Allele origin: unknown. Affected: no. Not counted in ClinVar's aggregate classification.
ClinVar note: Reason: Outlier claim with insufficient supporting evidence

Literature cited by the submitters: PubMed 16446107 (cited by Illumina Laboratory Services, Illumina and BloodGenetics); PubMed 22778251 (cited by Illumina Laboratory Services, Illumina); PubMed 30376034 (cited by BloodGenetics).